The following is an entry in ClinVar:

ClinVar aggregate classification (germline): Uncertain significance. Review status: criteria provided, multiple submitters, no conflicts (2 of 4 stars). 2 submissions from 2 submitters: Uncertain significance (2). Last evaluated 2025-11-15.

Conditions:
Cornelia de Lange syndrome 1 (CDLS1). Also called: Brachmann de Lange syndrome; NIPBL-Related Cornelia de Lange Syndrome; TYPUS DEGENERATIVUS AMSTELODAMENSIS. Identifiers: Orphanet 199, MedGen C4551851, MONDO:0007387, OMIM 122470.

gnomAD v4.1: 19 of 1,603,310 alleles (0.0012%); highest among the groups gnomAD compares: Non-Finnish European, 0.0015%; no homozygotes.

Submissions (2):

Labcorp Genetics (formerly Invitae), Labcorp
Classification: Uncertain significance for Cornelia de Lange syndrome 1. Last evaluated: 2025-11-15. Review status: criteria provided, single submitter. Criteria: Invitae Variant Classification Sherloc (09022015). Collection method: clinical testing. Allele origin: germline.
Comment: This sequence change replaces valine, which is neutral and non-polar, with isoleucine, which is neutral and non-polar, at codon 1265 of the NIPBL protein (p.Val1265Ile). This variant is present in population databases (rs749981341, gnomAD 0.007%). This variant has not been reported in the literature in individuals affected with NIPBL-related conditions. Invitae Evidence Modeling of protein sequence and biophysical properties (such as structural, functional, and spatial information, amino acid conservation, physicochemical variation, residue mobility, and thermodynamic stability) indicates that this missense variant is not expected to disrupt NIPBL protein function with a negative predictive value of 95%. In summary, the available evidence is currently insufficient to determine the role of this variant in disease. Therefore, it has been classified as a Variant of Uncertain Significance.

Women's Health and Genetics/Laboratory Corporation of America, LabCorp
Classification: Uncertain significance. Last evaluated: 2025-11-11. Review status: criteria provided, single submitter. Criteria: LabCorp Variant Classification Summary - May 2015. Collection method: clinical testing. Allele origin: germline.
Comment: Variant summary: NIPBL c.3793G>A (p.Val1265Ile) results in a conservative amino acid change in the encoded protein sequence. Algorithms developed to predict the effect of missense changes on protein structure and function are either unavailable or do not agree on the potential impact of this missense change. The variant allele was found at a frequency of 8e-06 in 250586 control chromosomes. The available data on variant occurrences in the general population are insufficient to allow any conclusion about variant significance. To our knowledge, no occurrence of c.3793G>A in individuals affected with NIPBL-related conditions and no experimental evidence demonstrating its impact on protein function have been reported. No submitters have cited clinical-significance assessments for this variant to ClinVar. Based on the evidence outlined above, the variant was classified as uncertain significance.

NM_133433.4(NIPBL):c.3793G>A (p.Val1265Ile)

Gene: NIPBL (NIPBL cohesin loading factor; plus strand). Cytogenetic location: 5p13.2.
Variant type: single nucleotide variant.
Coding change: c.3793G>A on transcript NM_133433.4 (MANE Select); coding-DNA position 3793, G replaced by A.
Protein change: p.Val1265Ile; replaces valine 1265 with isoleucine.
Molecular consequence: missense variant.
Genome position (GRCh38, 1-based): chr5:37,003,285, G>A. VCF-style: chr5-37003285-G-A. GRCh37 (hg19) VCF-style: chr5-37003387-G-A.
Other names: c.3793G>A, p.Val1265Ile (NM_001438586.1, NM_015384.5); short protein forms V1265I.
Identifiers: ClinVar variation 4536851 (VCV004536851.2).